The following is an entry in ClinVar:

NM_003384.3(VRK1):c.1013A>G (p.Lys338Arg)

Gene: VRK1 (VRK serine/threonine kinase 1; plus strand). Cytogenetic location: 14q32.2.
Variant type: single nucleotide variant.
Coding change: c.1013A>G on transcript NM_003384.3 (MANE Select); coding-DNA position 1013, A replaced by G.
Protein change: p.Lys338Arg; replaces lysine 338 with arginine.
Molecular consequence: missense variant.
Genome position (GRCh38, 1-based): chr14:96,860,680, A>G. VCF-style: chr14-96860680-A-G. GRCh37 (hg19) VCF-style: chr14-97327017-A-G.
Other names: c.1013A>G (NM_003384.2); short protein forms K338R.
Identifiers: ClinVar variation 1039212 (VCV001039212.9), dbSNP rs779911846, ClinGen allele CA266084092.

ClinVar aggregate classification (germline): Uncertain significance. Review status: criteria provided, multiple submitters, no conflicts (2 of 4 stars). 3 submissions from 3 submitters: Uncertain significance (2). 1 of the submissions does not count toward it. Last evaluated 2022-07-12.

Conditions:
Inborn genetic diseases. Identifiers: MedGen C0950123, MeSH D030342.
Pontocerebellar hypoplasia type 1A (PCH1A). Also called: PONTOCEREBELLAR HYPOPLASIA WITH ANTERIOR HORN CELL DISEASE; PONTOCEREBELLAR HYPOPLASIA WITH INFANTILE SPINAL MUSCULAR ATROPHY. Identifiers: Orphanet 2254, Orphanet 88616, MedGen C1843504, MONDO:0011866, OMIM 607596.

Allele frequency attached by ClinVar (database versions not stated): TOPMed 0.00002.
gnomAD v4.1: 34 of 1,613,420 alleles (0.0021%); highest among the groups gnomAD compares: Non-Finnish European, 0.0025%; 1 homozygote.

Submissions (3):

Ambry Genetics
Classification: Uncertain significance for Inborn genetic diseases. Last evaluated: 2022-07-12. Review status: criteria provided, single submitter. Criteria: Ambry Variant Classification Scheme 2023. Collection method: clinical testing. Allele origin: germline.

Labcorp Genetics (formerly Invitae), Labcorp
Classification: Uncertain significance for Pontocerebellar hypoplasia type 1A. Last evaluated: 2022-06-01. Review status: criteria provided, single submitter. Criteria: Invitae Variant Classification Sherloc (09022015). Collection method: clinical testing. Allele origin: germline.
Comment: This sequence change replaces lysine, which is basic and polar, with arginine, which is basic and polar, at codon 338 of the VRK1 protein (p.Lys338Arg). This variant is present in population databases (no rsID available, gnomAD 0.007%). This variant has not been reported in the literature in individuals affected with VRK1-related conditions. ClinVar contains an entry for this variant (Variation ID: 1039212). Algorithms developed to predict the effect of missense changes on protein structure and function output the following: SIFT: "Tolerated"; PolyPhen-2: "Benign"; Align-GVGD: "Class C0". The arginine amino acid residue is found in multiple mammalian species, which suggests that this missense change does not adversely affect protein function. In summary, the available evidence is currently insufficient to determine the role of this variant in disease. Therefore, it has been classified as a Variant of Uncertain Significance.

Natera, Inc.
Classification: Uncertain significance for Pontocerebellar hypoplasia, type 1a. Last evaluated: 2020-08-21. Review status: no assertion criteria provided. Collection method: clinical testing. Allele origin: germline. Not counted in ClinVar's aggregate classification.